The following is an entry in ClinVar:

ClinVar aggregate classification (germline): Uncertain significance. Review status: criteria provided, multiple submitters, no conflicts (2 of 4 stars). 2 submissions from 2 submitters: Uncertain significance (2). Last evaluated 2025-12-08.

Conditions:
Retinal arterial tortuosity. Also called: RETINAL HEMORRHAGE WITH VASCULAR TORTUOSITY; Retinal arteries, tortuosity of. Identifiers: Orphanet 75326, MedGen C0423401, MONDO:0008373, OMIM 180000, HP:0000631.
Autosomal dominant familial hematuria-retinal arteriolar tortuosity-contractures syndrome. Also called: Angiopathy, hereditary, with nephropathy, aneurysms, and muscle cramps; Hereditary Angiopathy with Nephropathy, Aneurysms, and Muscle Cramps (HANAC) Syndrome. Identifiers: Orphanet 73229, MedGen C2673195, MONDO:0012726, OMIM 611773.
Microangiopathy and leukoencephalopathy, pontine, autosomal dominant. Also called: DEMENTIA, HEREDITARY MULTI-INFARCT, SWEDISH TYPE; Pontine autosomal dominant microangiopathy with leukoencephalopathy. Identifiers: Orphanet 477749, MedGen C5231411, MONDO:0032814, OMIM 618564.
Brain small vessel disease 1 with or without ocular anomalies (BSVD1). Also called: BRAIN SMALL VESSEL DISEASE WITH HEMORRHAGE; PORENCEPHALY, TYPE 1, AUTOSOMAL DOMINANT; GOULD SYNDROME 1; Brain small vessel disease with or without ocular anomalies. Identifiers: Orphanet 2940, Orphanet 36383, Orphanet 99810, MedGen C4755307, MONDO:0008289, OMIM 175780.
Hemorrhage, intracerebral, susceptibility to (ICH). Also called: Stroke, hemorrhagic, susceptibility to. Identifiers: MedGen C3281105, MONDO:0100533, OMIM 614519.

Allele frequency attached by ClinVar (database versions not stated): gnomAD exomes below 0.00001.
gnomAD v4.1: 3 of 1,614,140 alleles (0.00019%); highest among the groups gnomAD compares: Admixed American, 0.0033%; no homozygotes.

Submissions (2):

Labcorp Genetics (formerly Invitae), Labcorp
Classification: Uncertain significance. Last evaluated: 2025-12-08. Review status: criteria provided, single submitter. Criteria: Invitae Variant Classification Sherloc (09022015). Collection method: clinical testing. Allele origin: germline.
Comment: This sequence change replaces alanine, which is neutral and non-polar, with threonine, which is neutral and polar, at codon 868 of the COL4A1 protein (p.Ala868Thr). This variant is present in population databases (no rsID available, gnomAD 0.006%). This variant has not been reported in the literature in individuals affected with COL4A1-related conditions. ClinVar contains an entry for this variant (Variation ID: 2043068). Invitae Evidence Modeling of protein sequence and biophysical properties (such as structural, functional, and spatial information, amino acid conservation, physicochemical variation, residue mobility, and thermodynamic stability) indicates that this missense variant is not expected to disrupt COL4A1 protein function with a negative predictive value of 95%. In summary, the available evidence is currently insufficient to determine the role of this variant in disease. Therefore, it has been classified as a Variant of Uncertain Significance.

Fulgent Genetics
Classification: Uncertain significance for Brain small vessel disease 1 with or without ocular anomalies; Retinal arterial tortuosity; Autosomal dominant familial hematuria-retinal arteriolar tortuosity-contractures syndrome; Hemorrhage, intracerebral, susceptibility to; Microangiopathy and leukoencephalopathy, pontine, autosomal dominant. Last evaluated: 2024-06-20. Review status: criteria provided, single submitter. Criteria: ACMG Guidelines, 2015. Collection method: clinical testing. Allele origin: germline.

NM_001845.6(COL4A1):c.2602G>A (p.Ala868Thr)

Gene: COL4A1 (collagen type IV alpha 1 chain; minus strand). Cytogenetic location: 13q34.
Variant type: single nucleotide variant.
Coding change: c.2602G>A on transcript NM_001845.6 (MANE Select); coding-DNA position 2602, G replaced by A.
Protein change: p.Ala868Thr; replaces alanine 868 with threonine.
Molecular consequence: missense variant.
Genome position (GRCh38, 1-based): chr13:110,178,088, C>T on the plus strand (G>A on the coding strand, the complement: COL4A1 is on the minus strand). VCF-style: chr13-110178088-C-T. GRCh37 (hg19) VCF-style: chr13-110830435-C-T.
Other names: short protein forms A868T.
Identifiers: ClinVar variation 2043068 (VCV002043068.5), dbSNP rs1188853759, ClinGen allele CA388667759.